The following is an entry in ClinVar:

ClinVar aggregate classification (germline): Uncertain significance (1 of 4 stars; one submission).

gnomAD v4.1: 3 of 1,614,210 alleles (0.00019%); highest among the groups gnomAD compares: Non-Finnish European, 0.00017%; no homozygotes.

Submission:

GeneDx
Classification: Uncertain significance. Last evaluated: 2024-04-01. Review status: criteria provided, single submitter. Criteria: GeneDx Variant Classification Process June 2021. Collection method: clinical testing. Allele origin: germline. Affected: yes.
Comment: Not observed at significant frequency in large population cohorts (gnomAD); In silico analysis supports that this missense variant has a deleterious effect on protein structure/function; Has not been previously published as pathogenic or benign to our knowledge

NM_182961.4(SYNE1):c.24023A>G (p.Tyr8008Cys)

Gene: SYNE1 (spectrin repeat containing nuclear envelope protein 1; minus strand). Cytogenetic location: 6q25.2.
Variant type: single nucleotide variant.
Coding change: c.24023A>G on transcript NM_182961.4 (MANE Select); coding-DNA position 24023, A replaced by G.
Protein change: p.Tyr8008Cys; replaces tyrosine 8008 with cysteine.
Molecular consequence: missense variant.
Genome position (GRCh38, 1-based): chr6:152,154,998, T>C on the plus strand (A>G on the coding strand, the complement: SYNE1 is on the minus strand). VCF-style: chr6-152154998-T-C. GRCh37 (hg19) VCF-style: chr6-152476133-T-C.
Other names: c.629A>G, p.Tyr210Cys (NM_001347701.2); c.488A>G, p.Tyr163Cys (NM_001347702.2); c.23810A>G, p.Tyr7937Cys (NM_033071.5); short protein forms Y163C, Y210C, Y7937C, Y8008C.
Identifiers: ClinVar variation 3371311 (VCV003371311.1).